The following is an entry in ClinVar:

NM_031407.7(HUWE1):c.9964G>C (p.Val3322Leu)

Gene: HUWE1 (HECT, UBA and WWE domain containing E3 ubiquitin protein ligase 1; minus strand). Cytogenetic location: Xp11.22.
Variant type: single nucleotide variant.
Coding change: c.9964G>C on transcript NM_031407.7 (MANE Select); coding-DNA position 9964, G replaced by C.
Protein change: p.Val3322Leu; replaces valine 3322 with leucine.
Molecular consequence: missense variant.
Genome position (GRCh38, 1-based): chrX:53,549,030, C>G on the plus strand (G>C on the coding strand, the complement: HUWE1 is on the minus strand). VCF-style: chrX-53549030-C-G. GRCh37 (hg19) VCF-style: chrX-53575991-C-G.
Other names: short protein forms V3322L.
Identifiers: ClinVar variation 1879767 (VCV001879767.29), dbSNP rs782714213, ClinGen allele CA413137058.

ClinVar aggregate classification (germline): Uncertain significance (1 of 4 stars; one submission).

Submission:

CeGaT Center for Human Genetics Tuebingen
Classification: Uncertain significance. Last evaluated: 2023-05-01. Review status: criteria provided, single submitter. Criteria: CeGaT Center For Human Genetics Tuebingen Variant Classification Criteria Version 2. Collection method: clinical testing. Allele origin: germline. Affected: yes. Observed: 2 variant alleles.
Comment: HUWE1: PM2, PP2